The following is an entry in ClinVar:

NM_025132.4(WDR19):c.3225_3230del (p.Asp1076_His1077del)

Gene: WDR19 (WD repeat domain 19; plus strand). Cytogenetic location: 4p14.
Variant type: Deletion.
Coding change: c.3225_3230del on transcript NM_025132.4 (MANE Select); coding-DNA positions 3225 to 3230, 6 bases deleted (AGACCA; older notation c.3225_3230delAGACCA).
Protein change: p.Asp1076_His1077del.
Molecular consequence: inframe deletion.
Genome position (GRCh38, 1-based): chr4:39,266,104-39,266,109, AGACCA deleted. VCF-style (leftmost placement, unchanged base first): chr4-39266103-TAGACCA-T. GRCh37 (hg19) VCF-style: chr4-39267723-TAGACCA-T.
Other names: c.2745_2750del, p.Asp916_His917del (NM_001317924.2).
Identifiers: ClinVar variation 2096981 (VCV002096981.4), dbSNP rs2475370596, ClinGen allele CA2580070975.

ClinVar aggregate classification (germline): Uncertain significance (1 of 4 stars; one submission).

Conditions:
Asphyxiating thoracic dystrophy 5 (SRTD5). Also called: SHORT-RIB THORACIC DYSPLASIA 5 WITH OR WITHOUT POLYDACTYLY; SHORT-RIB THORACIC DYSPLASIA 5 WITHOUT POLYDACTYLY. Identifiers: Orphanet 474, MedGen C3280598, MONDO:0013717, OMIM 614376.
Senior-Loken syndrome 8 (SLSN8). Identifiers: Orphanet 3156, MedGen C4225376, MONDO:0014579, OMIM 616307.

Submission:

Labcorp Genetics (formerly Invitae), Labcorp
Classification: Uncertain significance for Senior-Loken syndrome 8; Asphyxiating thoracic dystrophy 5. Last evaluated: 2022-09-01. Review status: criteria provided, single submitter. Criteria: Invitae Variant Classification Sherloc (09022015). Collection method: clinical testing. Allele origin: germline.
Comment: This variant, c.3225_3230del, results in the deletion of 2 amino acid(s) of the WDR19 protein (p.Asp1076_His1077del), but otherwise preserves the integrity of the reading frame. This variant is not present in population databases (gnomAD no frequency). This variant has been observed in individual(s) with retinitis pigmentosa (Invitae). Experimental studies and prediction algorithms are not available or were not evaluated, and the functional significance of this variant is currently unknown. In summary, the available evidence is currently insufficient to determine the role of this variant in disease. Therefore, it has been classified as a Variant of Uncertain Significance.